The following is an entry in ClinVar:

ClinVar aggregate classification (germline): Pathogenic (1 of 4 stars; one submission).

Conditions:
Hereditary breast ovarian cancer syndrome. Also called: Breast and ovarian cancer; Hereditary breast and ovarian cancer; Hereditary breast and/or ovarian cancer syndrome; BRCA1- and BRCA2-Associated Hereditary Breast and Ovarian Cancer; Hereditary breast and ovarian cancer syndrome (HBOC); Hereditary breast and ovarian cancer syndrome. Identifiers: Orphanet 145, MedGen C0677776, MeSH D061325, MONDO:0003582. Disease mechanism: loss of function.

Submission:

Labcorp Genetics (formerly Invitae), Labcorp
Classification: Pathogenic for Hereditary breast ovarian cancer syndrome. Last evaluated: 2016-11-18. Review status: criteria provided, single submitter. Criteria: Invitae Variant Classification Sherloc (09022015). Collection method: clinical testing. Allele origin: germline.
Comment: This variant is a gross deletion of the genomic region encompassing exons 2-22 of the BRCA1 gene, which includes the initiator codon. The 5' end of this event is unknown as it extends beyond the assayed region for this gene and therefore may encompass additional genes. The 3' boundary is likely confined to intron 22 of the BRCA1 gene. This is expected to result in an absent or disrupted protein product. While this particular deletion has not been reported in the literature, loss-of-function variants in BRCA1 are known to be pathogenic (PMID: 19393826, 24825132, 23479189, 21120943). For these reasons, this variant has been classified as Pathogenic.

NC_000017.11:g.(?_43047643)_(43124115_?)del

Genes: BRCA1 (BRCA1 DNA repair associated; minus strand), LOC126862571 (BRD4-independent group 4 enhancer GRCh37_chr17:41243136-41244335; plus strand), LOC110485084 (BRCA1 intronic recombination region; plus strand), LOC111589216 (BRCA1 intron 2 regulatory region; plus strand). Cytogenetic location: 17q21.31.
Variant type: Deletion.
Identifiers: ClinVar variation 417591 (VCV000417591.1).